The following is an entry in ClinVar:

NM_024675.4(PALB2):c.1106_1116del (p.Leu369fs)

Gene: PALB2 (partner and localizer of BRCA2; minus strand). Cytogenetic location: 16p12.2.
Variant type: Deletion.
Coding change: c.1106_1116del on transcript NM_024675.4 (MANE Select); coding-DNA positions 1106 to 1116, 11 bases deleted (TTCAGGAAAGT).
Protein change: p.Leu369fs; shifts the reading frame from leucine 369.
Molecular consequence: frameshift variant.
Genome position (GRCh38, 1-based): chr16:23,635,430-23,635,440, ACTTTCCTGAA deleted on the plus strand (TTCAGGAAAGT on the coding strand, the reverse complement: PALB2 is on the minus strand). VCF-style (leftmost placement, unchanged base first): chr16-23635429-CACTTTCCTGAA-C. GRCh37 (hg19) VCF-style: chr16-23646750-CACTTTCCTGAA-C.
Other names: short protein forms L369fs.
Identifiers: ClinVar variation 1358596 (VCV001358596.7), dbSNP rs2142425504, ClinGen allele CA2573152187.
Genomic context (GRCh38, chr16:23,635,429, plus strand): 5'-TTTCTGCAGAAAGAGGAGAGGTTGCTTCCAGGCTAAGACTCTTAGGTTGACTTAGAATCT[CACTTTCCTGAA>C]GATTTTCATTCCTGCCATCAAGAGTGTCACTGGGAGATTTTAAAGATTTCTCTGTTTGAT-3'

ClinVar aggregate classification (germline): Pathogenic. Review status: criteria provided, multiple submitters, no conflicts (2 of 4 stars). 2 submissions from 2 submitters: Pathogenic (2). Last evaluated 2023-09-07.

Conditions:
Familial cancer of breast. Also called: Hereditary breast cancer; BREAST CANCER, FAMILIAL; hereditary breast carcinoma. Identifiers: Orphanet 227535, MedGen C0346153, MONDO:0016419, OMIM 114480. Disease mechanism: loss of function.

Submissions (2):

Myriad Genetics, Inc.
Classification: Pathogenic for Familial cancer of breast. Last evaluated: 2023-09-07. Review status: criteria provided, single submitter. Criteria: Myriad Autosomal Dominant, Autosomal Recessive and X-Linked Classification Criteria (2023). Collection method: clinical testing. Allele origin: unknown.
Comment: This variant is considered pathogenic. This variant creates a frameshift predicted to result in premature protein truncation.

Labcorp Genetics (formerly Invitae), Labcorp
Classification: Pathogenic for Familial cancer of breast. Last evaluated: 2023-07-07. Review status: criteria provided, single submitter. Criteria: Invitae Variant Classification Sherloc (09022015). Collection method: clinical testing. Allele origin: germline.
Comment: For these reasons, this variant has been classified as Pathogenic. ClinVar contains an entry for this variant (Variation ID: 1358596). This variant has not been reported in the literature in individuals affected with PALB2-related conditions. This variant is not present in population databases (gnomAD no frequency). This sequence change creates a premature translational stop signal (p.Leu369Argfs*7) in the PALB2 gene. It is expected to result in an absent or disrupted protein product. Loss-of-function variants in PALB2 are known to be pathogenic (PMID: 17200668, 17200671, 17200672, 24136930, 25099575).

Literature cited by the submitters: PubMed 17200668 (cited by Labcorp Genetics (formerly Invitae), Labcorp); PubMed 17200671 (cited by Labcorp Genetics (formerly Invitae), Labcorp); PubMed 17200672 (cited by Labcorp Genetics (formerly Invitae), Labcorp); PubMed 24136930 (cited by Labcorp Genetics (formerly Invitae), Labcorp); PubMed 25099575 (cited by Labcorp Genetics (formerly Invitae), Labcorp).